The following is an entry in ClinVar:

NM_001290043.2(TAP2):c.494G>A (p.Gly165Asp)

Genes: TAP2 (transporter 2, ATP binding cassette subfamily B member; minus strand), LOC107648851 (meiotic recombination hotspot TAP2; plus strand). Cytogenetic location: 6p21.32.
Variant type: single nucleotide variant.
Coding change: c.494G>A on transcript NM_001290043.2 (MANE Select); coding-DNA position 494, G replaced by A.
Protein change: p.Gly165Asp; replaces glycine 165 with aspartic acid.
Molecular consequence: missense variant.
Genome position (GRCh38, 1-based): chr6:32,837,651, C>T on the plus strand (G>A on the coding strand, the complement: TAP2 is on the minus strand). VCF-style: chr6-32837651-C-T. GRCh37 (hg19) VCF-style: chr6-32805428-C-T.
Other names: c.494G>A, p.Gly165Asp (NM_000544.3, NM_018833.3); short protein forms G165D.
Identifiers: ClinVar variation 1437843 (VCV001437843.9), dbSNP rs1769504477, ClinGen allele CA363586215.

ClinVar aggregate classification (germline): Uncertain significance. Review status: criteria provided, multiple submitters, no conflicts (2 of 4 stars). 2 submissions from 2 submitters: Uncertain significance (2). Last evaluated 2024-08-20.

Conditions:
Inborn genetic diseases. Identifiers: MedGen C0950123, MeSH D030342.
MHC class I deficiency. Identifiers: Orphanet 34592, MedGen C6024714, MONDO:0011476.

Allele frequency attached by ClinVar (database versions not stated): TOPMed below 0.00001; gnomAD exomes below 0.00001.
gnomAD v4.1: 2 of 1,614,120 alleles (0.00012%); highest among the groups gnomAD compares: Non-Finnish European, 0.000085%; no homozygotes.

Submissions (2):

Ambry Genetics
Classification: Uncertain significance for Inborn genetic diseases. Last evaluated: 2024-08-20. Review status: criteria provided, single submitter. Criteria: Ambry Variant Classification Scheme 2023. Collection method: clinical testing. Allele origin: germline.

Labcorp Genetics (formerly Invitae), Labcorp
Classification: Uncertain significance for MHC class I deficiency 1. Last evaluated: 2022-10-18. Review status: criteria provided, single submitter. Criteria: Invitae Variant Classification Sherloc (09022015). Collection method: clinical testing. Allele origin: germline.
Comment: Algorithms developed to predict the effect of missense changes on protein structure and function are either unavailable or do not agree on the potential impact of this missense change (SIFT: "Deleterious"; PolyPhen-2: "Not Available"; Align-GVGD: "Class C0"). ClinVar contains an entry for this variant (Variation ID: 1437843). This variant has not been reported in the literature in individuals affected with TAP2-related conditions. This variant is not present in population databases (gnomAD no frequency). This sequence change replaces glycine, which is neutral and non-polar, with aspartic acid, which is acidic and polar, at codon 165 of the TAP2 protein (p.Gly165Asp). In summary, the available evidence is currently insufficient to determine the role of this variant in disease. Therefore, it has been classified as a Variant of Uncertain Significance.